The following is an entry in ClinVar:

ClinVar aggregate classification (germline): Uncertain significance (1 of 4 stars; one submission).

Submission:

GeneDx
Classification: Uncertain significance. Last evaluated: 2024-12-03. Review status: criteria provided, single submitter. Criteria: GeneDx Variant Classification Process June 2021. Collection method: clinical testing. Allele origin: germline. Affected: yes.
Comment: Not observed at significant frequency in large population cohorts (gnomAD); Missense variant in a gene in which most reported pathogenic variants are truncating/loss of function; Has not been previously published as pathogenic or benign to our knowledge

NM_001267550.2(TTN):c.32198T>C (p.Val10733Ala)

Gene: TTN (titin; minus strand). Cytogenetic location: 2q31.2.
Variant type: single nucleotide variant.
Coding change: c.32198T>C on transcript NM_001267550.2 (MANE Select); coding-DNA position 32198, T replaced by C.
Protein change: p.Val10733Ala; replaces valine 10733 with alanine.
Molecular consequence: missense variant. On other transcripts: intron variant (3).
Genome position (GRCh38, 1-based): chr2:178,688,224, A>G on the plus strand (T>C on the coding strand, the complement: TTN is on the minus strand). VCF-style: chr2-178688224-A-G. GRCh37 (hg19) VCF-style: chr2-179552951-A-G.
Other names: c.31247T>C, p.Val10416Ala (NM_001256850.1); c.28466T>C, p.Val9489Ala (NM_133378.4); c.13283-45907T>C (NM_003319.4); c.13859-45907T>C (NM_133437.4); c.13658-45907T>C (NM_133432.3); short protein forms V10416A, V10733A, V9489A.
Identifiers: ClinVar variation 3901654 (VCV003901654.1).